The following is an entry in ClinVar:

NM_000059.4(BRCA2):c.316+361A>G

Gene: BRCA2 (BRCA2 DNA repair associated; plus strand). Cytogenetic location: 13q13.1.
Variant type: single nucleotide variant.
Coding change: c.316+361A>G on transcript NM_000059.4 (MANE Select); 361 bases into the intron after coding-DNA position 316, A replaced by G.
Molecular consequence: intron variant.
Genome position (GRCh38, 1-based): chr13:32,319,686, A>G. VCF-style: chr13-32319686-A-G. GRCh37 (hg19) VCF-style: chr13-32893823-A-G.
Other names: IVS 3+361A>G.
Identifiers: ClinVar variation 209620 (VCV000209620.1), dbSNP rs74044997, ClinGen allele CA276589.

ClinVar aggregate classification (germline): Benign (3 of 4 stars; one submission).

Conditions:
Breast-ovarian cancer, familial, susceptibility to, 2 (BROVCA2). Also called: BRCA2 Hereditary Breast and Ovarian Cancer. Identifiers: Orphanet 145, MedGen C2675520, MONDO:0012933, OMIM 612555. Disease mechanism: loss of function.

Allele frequency attached by ClinVar (database versions not stated): gnomAD 0.00595 and 0.00652; 1000 Genomes Project 0.00619; 1000 Genomes Project 30x 0.00656; TOPMed 0.00656.
gnomAD v4.1: 896 of 152,320 alleles (0.59%); highest among the groups gnomAD compares: African/African-American, 2.1%; 9 homozygotes.

Submission:

Evidence-based Network for the Interpretation of Germline Mutant Alleles (ENIGMA)
Classification: Benign for Breast-ovarian cancer, familial 2. Last evaluated: 2015-01-12. Review status: reviewed by expert panel. Criteria: ENIGMA BRCA1/2 Classification Criteria (2015). Collection method: curation. Allele origin: germline.
Comment: Class 1 not pathogenic based on frequency >1% in an outbred sampleset. Frequency 0.0122 (African), derived from 1000 genomes (2012-04-30).